The following is an entry in ClinVar:

ClinVar aggregate classification (germline): Likely benign. Review status: criteria provided, single submitter (1 of 4 stars). 2 submissions from 2 submitters: Likely benign (1). 1 of the submissions does not count toward it. Last evaluated 2024-03-26.

Conditions:
SDHD-related disorder. Also called: SDHD-related condition.

Allele frequency attached by ClinVar (database versions not stated): gnomAD exomes 0.00003; 1000 Genomes Project 30x 0.00016; 1000 Genomes Project 0.00020; gnomAD 0.00023.
gnomAD v4.1: 36 of 214,592 alleles (0.017%); highest among the groups gnomAD compares: African/African-American, 0.076%; no homozygotes.

Submissions (2):

Blueprint Genetics
Classification: Likely benign. Last evaluated: 2024-03-26. Review status: criteria provided, single submitter. Criteria: ACMG Guidelines, 2015. Collection method: clinical testing. Allele origin: germline.

PreventionGenetics, part of Exact Sciences
Classification: Likely benign for SDHD-related condition. Last evaluated: 2019-03-21. Review status: no assertion criteria provided. Collection method: clinical testing. Allele origin: germline. Not counted in ClinVar's aggregate classification.
Comment: This variant is classified as likely benign based on ACMG/AMP sequence variant interpretation guidelines (Richards et al. 2015 PMID: 25741868, with internal and published modifications).

NM_003002.4(SDHD):c.315-1735T>G

Gene: SDHD (succinate dehydrogenase complex subunit D; plus strand). Cytogenetic location: 11q23.1.
Variant type: single nucleotide variant.
Coding change: c.315-1735T>G on transcript NM_003002.4 (MANE Select); 1735 bases into the intron before coding-DNA position 315, T replaced by G.
Molecular consequence: intron variant.
Genome position (GRCh38, 1-based): chr11:112,093,070, T>G. VCF-style: chr11-112093070-T-G. GRCh37 (hg19) VCF-style: chr11-111963794-T-G.
Other names: c.315-10T>G (NM_001276506.2); c.170-1735T>G (NM_001276503.2); c.198-1735T>G (NM_001276504.2).
Identifiers: ClinVar variation 3039330 (VCV003039330.3), dbSNP rs528255095, ClinGen allele CA228554338.
Genomic context (GRCh38, chr11:112,093,070, plus strand): 5'-GGCCATATATTGTATGGCTTTTTTTTTTTTTTTTTTTTTTTTGAGACAGAGTTTTGCTCT[T>G]GTCGCTCAGGCTGGAGTGCAATGGTGCGATCTTGGCTCGGCACGATCTCGGCTCAGCACG-3'